The following is an entry in ClinVar:

NM_031844.3(HNRNPU):c.1274G>C (p.Gly425Ala)

Gene: HNRNPU (heterogeneous nuclear ribonucleoprotein U; minus strand). Cytogenetic location: 1q44.
Variant type: single nucleotide variant.
Coding change: c.1274G>C on transcript NM_031844.3 (MANE Select); coding-DNA position 1274, G replaced by C.
Protein change: p.Gly425Ala; replaces glycine 425 with alanine.
Molecular consequence: missense variant.
Genome position (GRCh38, 1-based): chr1:244,858,231, C>G on the plus strand (G>C on the coding strand, the complement: HNRNPU is on the minus strand). VCF-style: chr1-244858231-C-G. GRCh37 (hg19) VCF-style: chr1-245021533-C-G.
Other names: c.1217G>C, p.Gly406Ala (NM_004501.3); short protein forms G406A, G425A.
Identifiers: ClinVar variation 696822 (VCV000696822.36), dbSNP rs199596170, ClinGen allele CA1486490.

ClinVar aggregate classification (germline): Conflicting classifications of pathogenicity. Review status: criteria provided, conflicting classifications (1 of 4 stars). 4 submissions from 4 submitters: Uncertain significance (1); Likely benign (3). Last evaluated 2025-11-09.

Conditions:
Developmental and epileptic encephalopathy, 54. Also called: HNRNPU-Related Neurodevelopmental Disorder; Epileptic encephalopathy, early infantile, 54. Identifiers: MedGen C4479319, MONDO:0033363, OMIM 617391.
Inborn genetic diseases. Identifiers: MedGen C0950123, MeSH D030342.

Allele frequency attached by ClinVar (database versions not stated): gnomAD 0.00007 and 0.00008; ESP Exome Variant Server 0.00008; TOPMed 0.00009; gnomAD exomes 0.00010 and 0.00012; ExAC 0.00012; 1000 Genomes Project 0.00020; 1000 Genomes Project 30x 0.00031.

Submissions (4):

Labcorp Genetics (formerly Invitae), Labcorp
Classification: Likely benign for Developmental and epileptic encephalopathy, 54. Last evaluated: 2025-11-09. Review status: criteria provided, single submitter. Criteria: Invitae Variant Classification Sherloc (09022015). Collection method: clinical testing. Allele origin: germline.

CeGaT Center for Human Genetics Tuebingen
Classification: Likely benign. Last evaluated: 2025-11-01. Review status: criteria provided, single submitter. Criteria: CeGaT Center For Human Genetics Tuebingen Variant Classification Criteria Version 2. Collection method: clinical testing. Allele origin: germline. Affected: yes. Observed: 2 variant alleles.
Comment: HNRNPU: BS2

Ambry Genetics
Classification: Likely benign for Inborn genetic diseases. Last evaluated: 2021-11-05. Review status: criteria provided, single submitter. Criteria: Ambry Variant Classification Scheme 2023. Collection method: clinical testing. Allele origin: germline.

Baylor Genetics
Classification: Uncertain significance for Developmental and epileptic encephalopathy, 54. Last evaluated: 2018-06-07. Review status: criteria provided, single submitter. Criteria: ACMG Guidelines, 2015. Collection method: clinical testing. Allele origin: maternal. Affected: yes.
Comment: This variant was determined to be of uncertain significance according to ACMG Guidelines, 2015 [PMID:25741868].